The following is an entry in ClinVar:

NM_015135.3(NUP205):c.4843C>G (p.Arg1615Gly)

Gene: NUP205 (nucleoporin 205; plus strand). Cytogenetic location: 7q33.
Variant type: single nucleotide variant.
Coding change: c.4843C>G on transcript NM_015135.3 (MANE Select); coding-DNA position 4843, C replaced by G.
Protein change: p.Arg1615Gly; replaces arginine 1615 with glycine.
Molecular consequence: missense variant.
Genome position (GRCh38, 1-based): chr7:135,628,022, C>G. VCF-style: chr7-135628022-C-G. GRCh37 (hg19) VCF-style: chr7-135312770-C-G.
Other names: c.3769C>G, p.Arg1257Gly (NM_001329434.2); short protein forms R1257G, R1615G.
Identifiers: ClinVar variation 1899764 (VCV001899764.5), dbSNP rs201443496, ClinGen allele CA369360338.

ClinVar aggregate classification (germline): Uncertain significance (1 of 4 stars; one submission).

gnomAD v4.1: 2 of 1,611,604 alleles (0.00012%); highest among the groups gnomAD compares: Non-Finnish European, 0.00017%; no homozygotes.

Submission:

Labcorp Genetics (formerly Invitae), Labcorp
Classification: Uncertain significance. Last evaluated: 2025-06-12. Review status: criteria provided, single submitter. Criteria: Invitae Variant Classification Sherloc (09022015). Collection method: clinical testing. Allele origin: germline.
Comment: This sequence change replaces arginine, which is basic and polar, with glycine, which is neutral and non-polar, at codon 1615 of the NUP205 protein (p.Arg1615Gly). This variant is not present in population databases (gnomAD no frequency). This variant has not been reported in the literature in individuals affected with NUP205-related conditions. ClinVar contains an entry for this variant (Variation ID: 1899764). Invitae Evidence Modeling of protein sequence and biophysical properties (such as structural, functional, and spatial information, amino acid conservation, physicochemical variation, residue mobility, and thermodynamic stability) indicates that this missense variant is expected to disrupt NUP205 protein function with a positive predictive value of 80%. In summary, the available evidence is currently insufficient to determine the role of this variant in disease. Therefore, it has been classified as a Variant of Uncertain Significance.